The following is an entry in ClinVar:

ClinVar aggregate classification (germline): Conflicting classifications of pathogenicity. Review status: criteria provided, conflicting classifications (1 of 4 stars). 4 submissions from 4 submitters: Uncertain significance (3); Likely benign (1). Last evaluated 2026-01-21.

Conditions:
Brugada syndrome. Also called: Sudden unexplained nocturnal death syndrome; Sudden Unexplained Death Syndrome; Sudden Unexplained Nocturnal Death Syndrome (SUNDS); Sudden unexpected nocturnal death syndrome. Identifiers: Orphanet 130, MedGen C1142166, MONDO:0015263.
Cardiovascular phenotype. Identifiers: MedGen CN230736.

Allele frequency attached by ClinVar (database versions not stated): gnomAD exomes 0.00004; gnomAD 0.00005 and 0.00006; ExAC 0.00006; TOPMed 0.00011; ESP Exome Variant Server 0.00015.
gnomAD v4.1: 78 of 1,603,234 alleles (0.0049%); highest among the groups gnomAD compares: Middle Eastern, 0.017%; no homozygotes.

Submissions (4):

Labcorp Genetics (formerly Invitae), Labcorp
Classification: Uncertain significance for Brugada syndrome. Last evaluated: 2026-01-21. Review status: criteria provided, single submitter. Criteria: Invitae Variant Classification Sherloc (09022015). Collection method: clinical testing. Allele origin: germline.
Comment: This sequence change affects codon 362 of the CACNA2D1 mRNA. It is a 'silent' change, meaning that it does not change the encoded amino acid sequence of the CACNA2D1 protein. This variant is present in population databases (rs148592476, gnomAD 0.03%). This variant has not been reported in the literature in individuals affected with CACNA2D1-related conditions. ClinVar contains an entry for this variant (Variation ID: 517753). Algorithms developed to predict the effect of sequence changes on RNA splicing suggest that this variant may create or strengthen a splice site. In summary, the available evidence is currently insufficient to determine the role of this variant in disease. Therefore, it has been classified as a Variant of Uncertain Significance.

Ambry Genetics
Classification: Likely benign for Cardiovascular phenotype. Last evaluated: 2025-12-17. Review status: criteria provided, single submitter. Criteria: Ambry Variant Classification Scheme 2023. Collection method: clinical testing. Allele origin: germline.

CeGaT Center for Human Genetics Tuebingen
Classification: Uncertain significance. Last evaluated: 2025-11-01. Review status: criteria provided, single submitter. Criteria: CeGaT Center For Human Genetics Tuebingen Variant Classification Criteria Version 2. Collection method: clinical testing. Allele origin: germline. Affected: yes. Observed: 1 variant allele.
Comment: CACNA2D1: PM2, PP3

GeneDx
Classification: Uncertain significance. Last evaluated: 2024-07-16. Review status: criteria provided, single submitter. Criteria: GeneDx Variant Classification Process June 2021. Collection method: clinical testing. Allele origin: germline. Affected: yes.
Comment: In silico analysis supports a deleterious effect on splicing; Has not been previously published as pathogenic or benign to our knowledge; Variants in candidate genes are classified as variants of uncertain significance in accordance with ACMG guidelines (PMID: 25741868); This variant is associated with the following publications: (PMID: 25741868)

NM_000722.4(CACNA2D1):c.1086G>A (p.Thr362=)

Gene: CACNA2D1 (calcium voltage-gated channel auxiliary subunit alpha2delta 1; minus strand). Cytogenetic location: 7q21.11.
Variant type: single nucleotide variant.
Coding change: c.1086G>A on transcript NM_000722.4 (MANE Select); coding-DNA position 1086, G replaced by A.
Protein change: p.Thr362=; no amino-acid change (threonine 362 retained).
Molecular consequence: synonymous variant.
Genome position (GRCh38, 1-based): chr7:82,032,854, C>T on the plus strand (G>A on the coding strand, the complement: CACNA2D1 is on the minus strand). VCF-style: chr7-82032854-C-T. GRCh37 (hg19) VCF-style: chr7-81662170-C-T.
Other names: c.1086G>A (LRG_437t1); c.1086G>A, p.Thr362= (NM_001366867.1).
Identifiers: ClinVar variation 517753 (VCV000517753.21), dbSNP rs148592476, ClinGen allele CA4318140.
Genomic context (GRCh38, chr7:82,032,854, plus strand): 5'-CACTTTTTTATCTTTATTGTATTTGTTAAATATCTCCTGGGCTCTCTCTTCTCCTCCATC[C>T]GTGAATAGCATAATAATCTTATTGCAGTTTGCTCTGGAAACATTATACTGTTAAAAACAA-3'
Protein context (NP_000713.2, residues 352-372): ANCNKIIMLF[Thr362=]DGGEERAQEI